The following is an entry in ClinVar:

ClinVar aggregate classification (germline): Likely pathogenic (1 of 4 stars; one submission).

Conditions:
Hematuria, benign familial, 1 (BFH1). Also called: THIN MEMBRANE NEPHROPATHY. Identifiers: MedGen CN376803, MONDO:0007709, OMIM 141200.

gnomAD v4.1: 1 of 1,613,814 alleles (0.000062%); highest among the groups gnomAD compares: Non-Finnish European, 0.000085%; no homozygotes.

Submission:

Centre de Génétique Humaine, Institut de Pathologie Et de Génétique
Classification: Likely pathogenic for Hematuria, benign familial, 1. Last evaluated: 2026-05-12. Review status: criteria provided, single submitter. Criteria: ACMG Guidelines, 2015. Collection method: clinical testing. Allele origin: germline. Inheritance: Autosomal dominant inheritance. Affected: yes. Observed: 1 variant allele, 1 heterozygote. Segregation with disease not observed.
Comment: This missense variant involves a highly conserved glycine located in a ‘Gly-X-Y’ motif in collagenous region, which is characteristic of the pathogenic variants identified in the COL4A4 gene (PM1,PP2). This variant is rare: allelic frequency of 0.000062% in gnomAD v4.1.0 database (PM2). Another missense variant affecting the same residue described as disesase causing in patient with AR AS: 3151G>C, p.(Gly1051Arg), PMID: 24633401 (PM5). In silico analysis supports that this missense variant has a deleterious effect (PP3).

NM_000092.5(COL4A4):c.3151G>A (p.Gly1051Ser)

Gene: COL4A4 (collagen type IV alpha 4 chain; minus strand). Cytogenetic location: 2q36.3.
Variant type: single nucleotide variant.
Coding change: c.3151G>A on transcript NM_000092.5 (MANE Select); coding-DNA position 3151, G replaced by A.
Protein change: p.Gly1051Ser; replaces glycine 1051 with serine.
Molecular consequence: missense variant.
Genome position (GRCh38, 1-based): chr2:227,050,131, C>T on the plus strand (G>A on the coding strand, the complement: COL4A4 is on the minus strand). VCF-style: chr2-227050131-C-T. GRCh37 (hg19) VCF-style: chr2-227914847-C-T.
Other names: p.(Gly1051Ser); short protein forms G1051S.
Identifiers: ClinVar variation 4884698 (VCV004884698.1).